The following is an entry in ClinVar:

NM_014191.4(SCN8A):c.700A>G (p.Ile234Val)

Gene: SCN8A (sodium voltage-gated channel alpha subunit 8; plus strand). Cytogenetic location: 12q13.13.
Variant type: single nucleotide variant.
Coding change: c.700A>G on transcript NM_014191.4 (MANE Plus Clinical); coding-DNA position 700, A replaced by G.
Protein change: p.Ile234Val; replaces isoleucine 234 with valine.
Molecular consequence: missense variant. On other transcripts: intron variant (2).
Genome position (GRCh38, 1-based): chr12:51,688,843, A>G. VCF-style: chr12-51688843-A-G. GRCh37 (hg19) VCF-style: chr12-52082627-A-G.
Other names: c.700A>G, p.Ile234Val (NM_001177984.3); c.615-162A>G (NM_001330260.2, NM_001369788.1); short protein forms I234V.
Identifiers: ClinVar variation 1368296 (VCV001368296.9), dbSNP rs2138716234, ClinGen allele CA385224154.

ClinVar aggregate classification (germline): Uncertain significance (1 of 4 stars; one submission).

Conditions:
Early-infantile DEE. Also called: Early infantile epileptic encephalopathy with suppression bursts; Early infantile epileptic encephalopathy; Ohtahara syndrome. Identifiers: Orphanet 1934, MedGen C0393706, MONDO:0800491.

Allele frequency attached by ClinVar (database versions not stated): gnomAD exomes below 0.00001.
gnomAD v4.1: 1 of 1,613,240 alleles (0.000062%); highest among the groups gnomAD compares: Non-Finnish European, 0.000085%; no homozygotes.

Submission:

Labcorp Genetics (formerly Invitae), Labcorp
Classification: Uncertain significance for Early-infantile DEE. Last evaluated: 2021-07-17. Review status: criteria provided, single submitter. Criteria: Invitae Variant Classification Sherloc (09022015). Collection method: clinical testing. Allele origin: germline.
Comment: In summary, the available evidence is currently insufficient to determine the role of this variant in disease. Therefore, it has been classified as a Variant of Uncertain Significance. Algorithms developed to predict the effect of sequence changes on RNA splicing suggest that this variant may create or strengthen a splice site. Algorithms developed to predict the effect of missense changes on protein structure and function are either unavailable or do not agree on the potential impact of this missense change (SIFT: "Deleterious"; PolyPhen-2: "Probably Damaging"; Align-GVGD: "Class C0"). This variant has not been reported in the literature in individuals affected with SCN8A-related conditions. This variant is not present in population databases (ExAC no frequency). This sequence change replaces isoleucine with valine at codon 234 of the SCN8A protein (p.Ile234Val). The isoleucine residue is highly conserved and there is a small physicochemical difference between isoleucine and valine.